The following is an entry in ClinVar:

NM_001111.5(ADAR):c.944C>G (p.Ala315Gly)

Gene: ADAR (adenosine deaminase RNA specific; minus strand). Cytogenetic location: 1q21.3.
Variant type: single nucleotide variant.
Coding change: c.944C>G on transcript NM_001111.5 (MANE Select); coding-DNA position 944, C replaced by G.
Protein change: p.Ala315Gly; replaces alanine 315 with glycine.
Molecular consequence: missense variant.
Genome position (GRCh38, 1-based): chr1:154,601,698, G>C on the plus strand (C>G on the coding strand, the complement: ADAR is on the minus strand). VCF-style: chr1-154601698-G-C. GRCh37 (hg19) VCF-style: chr1-154574174-G-C.
Other names: c.59C>G, p.Ala20Gly (NM_001025107.3, NM_001193495.2, NM_001365046.1 and 3 more transcripts); c.971C>G, p.Ala324Gly (NM_001365045.1); c.944C>G, p.Ala315Gly (NM_015840.4, NM_015841.4); c.944C>G (NM_001111.4); short protein forms A324G, A20G, A315G.
Identifiers: ClinVar variation 1433538 (VCV001433538.7), dbSNP rs761347223, ClinGen allele CA342599196.

ClinVar aggregate classification (germline): Uncertain significance. Review status: criteria provided, multiple submitters, no conflicts (2 of 4 stars). 2 submissions from 2 submitters: Uncertain significance (2). Last evaluated 2026-08-27.

Conditions:
Symmetrical dyschromatosis of extremities (DSH). Also called: RETICULATE ACROPIGMENTATION OF DOHI; SYMMETRIC DYSCHROMATOSIS OF THE EXTREMITIES; DYSCHROMATOSIS SYMMETRICA HEREDITARIA 1; Dyschromatosis symmetrica hereditaria. Identifiers: Orphanet 41, MedGen C0406775, MONDO:0007483, OMIM 127400.
Aicardi-Goutieres syndrome 6 (AGS6). Identifiers: Orphanet 51, MedGen C3539013, MONDO:0014007, OMIM 615010.
Inborn genetic diseases. Identifiers: MedGen C0950123, MeSH D030342.

Allele frequency attached by ClinVar (database versions not stated): gnomAD 0.00001; TOPMed 0.00001.
gnomAD v4.1: 4 of 1,614,064 alleles (0.00025%); highest among the groups gnomAD compares: African/African-American, 0.0053%; no homozygotes.

Submissions (2):

Ambry Genetics
Classification: Uncertain significance for Inborn genetic diseases. Last evaluated: 2026-08-27. Review status: criteria provided, single submitter. Criteria: Ambry Variant Classification Scheme 2023. Collection method: clinical testing. Allele origin: germline.
Comment: The c.944C>G (p.A315G) alteration is located in exon 2 (coding exon 2) of the ADAR gene. This alteration results from a C to G substitution at nucleotide position 944, causing the alanine (A) at amino acid position 315 to be replaced by a glycine (G). Based on data from gnomAD, the G allele has an overall frequency of <0.001% (1/251464) total alleles studied. The highest observed frequency was 0.006% (1/16252) of African alleles. Based on insufficient or conflicting evidence, the clinical significance of this alteration remains unclear.

Labcorp Genetics (formerly Invitae), Labcorp
Classification: Uncertain significance for Aicardi-Goutieres syndrome 6; Symmetrical dyschromatosis of extremities. Last evaluated: 2025-09-09. Review status: criteria provided, single submitter. Criteria: Invitae Variant Classification Sherloc (09022015). Collection method: clinical testing. Allele origin: germline.
Comment: This sequence change replaces alanine, which is neutral and non-polar, with glycine, which is neutral and non-polar, at codon 315 of the ADAR protein (p.Ala315Gly). This variant is present in population databases (no rsID available, gnomAD 0.007%). This variant has not been reported in the literature in individuals affected with ADAR-related conditions. ClinVar contains an entry for this variant (Variation ID: 1433538). Invitae Evidence Modeling of protein sequence and biophysical properties (such as structural, functional, and spatial information, amino acid conservation, physicochemical variation, residue mobility, and thermodynamic stability) indicates that this missense variant is not expected to disrupt ADAR protein function with a negative predictive value of 80%. In summary, the available evidence is currently insufficient to determine the role of this variant in disease. Therefore, it has been classified as a Variant of Uncertain Significance.